The following is an entry in ClinVar:

ClinVar aggregate classification (germline): Uncertain significance (1 of 4 stars; one submission).

Conditions:
Cystic fibrosis (CF). Also called: MUCOVISCIDOSIS. Identifiers: Orphanet 586, MedGen C0010674, MONDO:0009061, OMIM 219700. Disease mechanism: loss of function.

Submission:

Ambry Genetics
Classification: Uncertain significance for Cystic fibrosis. Last evaluated: 2025-01-05. Review status: criteria provided, single submitter. Criteria: Ambry Variant Classification Scheme 2023. Collection method: clinical testing. Allele origin: germline.
Comment: The p.G934V variant (also known as c.2801G>T), located in coding exon 17 of the CFTR gene, results from a G to T substitution at nucleotide position 2801. The glycine at codon 934 is replaced by valine, an amino acid with dissimilar properties. This amino acid position is conserved. In addition, this alteration is predicted to be deleterious by in silico analysis. Based on the available evidence, the clinical significance of this variant remains unclear.

NM_000492.4(CFTR):c.2801G>T (p.Gly934Val)

Gene: CFTR (CF transmembrane conductance regulator; plus strand). Cytogenetic location: 7q31.2.
Variant type: single nucleotide variant.
Coding change: c.2801G>T on transcript NM_000492.4 (MANE Select); coding-DNA position 2801, G replaced by T.
Protein change: p.Gly934Val; replaces glycine 934 with valine.
Molecular consequence: missense variant.
Genome position (GRCh38, 1-based): chr7:117,603,675, G>T. VCF-style: chr7-117603675-G-T. GRCh37 (hg19) VCF-style: chr7-117243729-G-T.
Other names: short protein forms G934V.
Identifiers: ClinVar variation 3832569 (VCV003832569.1).